The following is an entry in ClinVar:

ClinVar aggregate classification (germline): Uncertain significance (1 of 4 stars; one submission).

Submission:

GeneDx
Classification: Uncertain significance. Last evaluated: 2025-07-31. Review status: criteria provided, single submitter. Criteria: GeneDx Variant Classification Process June 2021. Collection method: clinical testing. Allele origin: germline. Affected: yes.
Comment: Not observed at significant frequency in large population cohorts (gnomAD); In silico analysis suggests that this missense variant does not alter protein structure/function; Has not been previously published as pathogenic or benign to our knowledge

NM_031443.4(CCM2):c.1321C>A (p.Gln441Lys)

Gene: CCM2 (CCM2 scaffold protein; plus strand). Cytogenetic location: 7p13.
Variant type: single nucleotide variant.
Coding change: c.1321C>A on transcript NM_031443.4 (MANE Select); coding-DNA position 1321, C replaced by A.
Protein change: p.Gln441Lys; replaces glutamine 441 with lysine.
Molecular consequence: missense variant. On other transcripts: non-coding transcript variant (1).
Genome position (GRCh38, 1-based): chr7:45,076,043, C>A. VCF-style: chr7-45076043-C-A. GRCh37 (hg19) VCF-style: chr7-45115642-C-A.
Other names: c.1384C>A, p.Gln462Lys (NM_001029835.2); c.1147C>A, p.Gln383Lys (NM_001167934.2); c.1048C>A, p.Gln350Lys (NM_001167935.2); c.1444C>A, p.Gln482Lys (NM_001363458.2); c.1270C>A, p.Gln424Lys (NM_001363459.2); short protein forms Q350K, Q383K, Q424K, Q441K, Q462K, Q482K.
Identifiers: ClinVar variation 4755823 (VCV004755823.1).